The following is an entry in ClinVar:

NM_000069.3(CACNA1S):c.754C>T (p.Arg252Cys)

Gene: CACNA1S (calcium voltage-gated channel subunit alpha1 S; minus strand). Cytogenetic location: 1q32.1.
Variant type: single nucleotide variant.
Coding change: c.754C>T on transcript NM_000069.3 (MANE Select); coding-DNA position 754, C replaced by T.
Protein change: p.Arg252Cys; replaces arginine 252 with cysteine.
Molecular consequence: missense variant.
Genome position (GRCh38, 1-based): chr1:201,089,404, G>A on the plus strand (C>T on the coding strand, the complement: CACNA1S is on the minus strand). VCF-style: chr1-201089404-G-A. GRCh37 (hg19) VCF-style: chr1-201058532-G-A.
Other names: short protein forms R252C.
Identifiers: ClinVar variation 2061811 (VCV002061811.5), dbSNP rs151005797, ClinGen allele CA083987.

ClinVar aggregate classification (germline): Conflicting classifications of pathogenicity. Review status: criteria provided, conflicting classifications (1 of 4 stars). 2 submissions from 2 submitters: Uncertain significance (1); Likely benign (1). Last evaluated 2025-01-20.

Conditions:
Malignant hyperthermia, susceptibility to, 5 (MHS5). Also called: CACNA1S-Related Malignant Hyperthermia Susceptibility. Identifiers: Orphanet 423, MedGen C1866077, MONDO:0011163, OMIM 601887.
Hypokalemic periodic paralysis, type 1. Also called: HypoPP; Hypokalemic Periodic Paralysis Type 1 (AD). Identifiers: Orphanet 681, MedGen C3714580, MONDO:0042979, OMIM 170400.

Allele frequency attached by ClinVar (database versions not stated): ExAC 0.00002; gnomAD 0.00005; TOPMed 0.00005; ESP Exome Variant Server 0.00008.
gnomAD v4.1: 22 of 1,614,060 alleles (0.0014%); highest among the groups gnomAD compares: African/African-American, 0.012%; no homozygotes.

Submissions (2):

Labcorp Genetics (formerly Invitae), Labcorp
Classification: Likely benign for Hypokalemic periodic paralysis, type 1; Malignant hyperthermia, susceptibility to, 5. Last evaluated: 2025-01-20. Review status: criteria provided, single submitter. Criteria: Invitae Variant Classification Sherloc (09022015). Collection method: clinical testing. Allele origin: germline.

All of Us Research Program, National Institutes of Health
Classification: Uncertain significance for Malignant hyperthermia, susceptibility to, 5. Last evaluated: 2023-07-10. Review status: criteria provided, single submitter. Criteria: ACMG Guidelines, 2015. Collection method: clinical testing. Allele origin: germline. Inheritance: Autosomal dominant inheritance. Observed: 2 variant alleles, 2 heterozygotes.
Comment: This missense variant replaces arginine with cysteine at codon 252 of the CACNA1S protein. Computational prediction suggests that this variant may have deleterious impact on protein structure and function (internally defined REVEL score threshold >= 0.7, PMID: 27666373). To our knowledge, functional studies have not been reported for this variant. This variant has not been reported in individuals affected with CACNA1S-related disorders in the literature. This variant has been identified in 4/250832 chromosomes in the general population by the Genome Aggregation Database (gnomAD). The available evidence is insufficient to determine the role of this variant in disease conclusively. Therefore, this variant is classified as a Variant of Uncertain Significance.

This study involves interpretation of variants in research participants for the purpose of population health screening. Participant phenotype was not available at the time of variant classification. Additional details can be found in publication PMID: 35346344, PMCID: PMC8962531